The following is an entry in ClinVar:

ClinVar aggregate classification (germline): Uncertain significance (1 of 4 stars; one submission).

Submission:

GeneDx
Classification: Uncertain significance. Last evaluated: 2025-06-27. Review status: criteria provided, single submitter. Criteria: GeneDx Variant Classification Process June 2021. Collection method: clinical testing. Allele origin: germline. Affected: yes.
Comment: Not observed at significant frequency in large population cohorts (gnomAD); In silico analysis supports that this missense variant has a deleterious effect on protein structure/function; This variant is associated with the following publications: (PMID: 35982160, 35982159)

NM_001012614.2(CTBP1):c.353C>T (p.Ala118Val)

Gene: CTBP1 (C-terminal binding protein 1; minus strand). Cytogenetic location: 4p16.3.
Variant type: single nucleotide variant.
Coding change: c.353C>T on transcript NM_001012614.2 (MANE Select); coding-DNA position 353, C replaced by T.
Protein change: p.Ala118Val; replaces alanine 118 with valine.
Molecular consequence: missense variant.
Genome position (GRCh38, 1-based): chr4:1,225,521, G>A on the plus strand (C>T on the coding strand, the complement: CTBP1 is on the minus strand). VCF-style: chr4-1225521-G-A. GRCh37 (hg19) VCF-style: chr4-1219309-G-A.
Other names: c.386C>T, p.Ala129Val (NM_001328.3, NM_001377186.1); c.353C>T, p.Ala118Val (NM_001377187.1, NM_001377188.1, NM_001377189.1 and 4 more transcripts); short protein forms A118V, A129V.
Identifiers: ClinVar variation 4540019 (VCV004540019.1).